The following is an entry in ClinVar:

NM_001171.6(ABCC6):c.3143_3145del (p.Phe1048del)

Gene: ABCC6 (ATP binding cassette subfamily C member 6; minus strand). Cytogenetic location: 16p13.11.
Variant type: Deletion.
Coding change: c.3143_3145del on transcript NM_001171.6 (MANE Select); coding-DNA positions 3143 to 3145, 3 bases deleted (TCT; older notation c.3143_3145delTCT).
Protein change: p.Phe1048del; deletes phenylalanine 1048.
Molecular consequence: inframe deletion. On other transcripts: non-coding transcript variant (1).
Genome position (GRCh38, 1-based): chr16:16,165,784-16,165,786, AGA deleted on the plus strand (TCT on the coding strand, the reverse complement: ABCC6 is on the minus strand); deleting any 3 consecutive bases within chr16:16,165,784-16,165,788 gives the same sequence; the c. name uses the placement nearest the transcript's 3' end. VCF-style (leftmost placement, unchanged base first): chr16-16165783-GAGA-G. GRCh37 (hg19) VCF-style: chr16-16259640-GAGA-G.
Other names: ABCC6_00548;c.3143_3145del; c.3141_3143delCTT (NM_001171.5); c.2801_2803del, p.Phe934del (NM_001351800.1); c.3143_3145delTCT (NM_001171.5); short protein forms F1048del, F934del.
Identifiers: ClinVar variation 420097 (VCV000420097.5), dbSNP rs769437554, ClinGen allele CA7925677.

ClinVar aggregate classification (germline): Conflicting classifications of pathogenicity. Review status: criteria provided, conflicting classifications (1 of 4 stars). 3 submissions from 3 submitters: Likely pathogenic (1); Uncertain significance (1). 1 of the submissions does not count toward it. Last evaluated 2024-03-22.

Conditions:
Arterial calcification, generalized, of infancy, 2. Identifiers: Orphanet 51608, MedGen C3276161, MONDO:0013768, OMIM 614473.
Autosomal recessive inherited pseudoxanthoma elasticum (PXE). Identifiers: Orphanet 758, MedGen CN032334, MONDO:0009925, OMIM 264800.
Pseudoxanthoma elasticum, forme fruste. Also called: Pseudoxanthoma Elasticum, Incomplete; PSEUDOXANTHOMA ELASTICUM, HETEROZYGOUS. Identifiers: Orphanet 758, MedGen C1867450, MONDO:0008333, OMIM 177850.

Submissions (3):

Fulgent Genetics
Classification: Uncertain significance for Pseudoxanthoma elasticum, forme fruste; Autosomal recessive inherited pseudoxanthoma elasticum; Arterial calcification, generalized, of infancy, 2. Last evaluated: 2024-03-22. Review status: criteria provided, single submitter. Criteria: ACMG Guidelines, 2015. Collection method: clinical testing. Allele origin: germline.

GeneDx
Classification: Likely pathogenic. Last evaluated: 2016-09-06. Review status: criteria provided, single submitter. Criteria: GeneDx Variant Classification (06012015). Collection method: clinical testing. Allele origin: germline. Affected: yes.
Comment: The c.3143_3145delTCT likely pathogenic variant has been reported previously in patients with PXE (Miksch et al., 2005, Chassaing et al., 2005). It was not observed in approximately 6500 individuals of European and African American ancestry in the NHLBI Exome Sequencing Project. The c.3143_3145delTCT in-frame deletion results in the loss of a single Phenylalanine residue, denoted p.Phe1048del. This deletion on occurs at a position that is conserved across species and is found in the transmembrane type1-2 domain of the protein. Therefore, this variant is likely pathogenic; however, the possibility that it is benign cannot be excluded.

PXE International
Classification: Uncertain significance for Autosomal recessive inherited pseudoxanthoma elasticum. Last evaluated: 2021-03-01. Review status: no assertion criteria provided. Collection method: research. Allele origin: germline. Inheritance: Autosomal recessive inheritance. Affected: yes. Observed: 3 variant alleles. Clinical features observed: Renal calcification, Papule (HP:0200034), Weak or absent arterial pulse, Skin plaque (HP:0200035), Angioid streaks of the fundus (HP:0001102), Angina pectoris (HP:0001681), Abnormal EKG (HP:0003115). Not counted in ClinVar's aggregate classification.

Literature cited by the submitters: PubMed 16086317 (cited by PXE International).